The following is an entry in ClinVar:

ClinVar aggregate classification (germline): Uncertain significance (1 of 4 stars; one submission).

Conditions:
Hereditary cancer-predisposing syndrome. Also called: Tumor predisposition; Neoplastic Syndromes, Hereditary; Hereditary neoplastic syndrome; Hereditary Cancer Syndrome. Identifiers: Orphanet 140162, MedGen C0027672, MeSH D009386, MONDO:0015356.

Submission:

Ambry Genetics
Classification: Uncertain significance for Hereditary cancer-predisposing syndrome. Last evaluated: 2025-08-27. Review status: criteria provided, single submitter. Criteria: Ambry Variant Classification Scheme 2023. Collection method: clinical testing. Allele origin: germline.
Comment: The p.F533V variant (also known as c.1597T>G), located in coding exon 16 of the MUTYH gene, results from a T to G substitution at nucleotide position 1597. The phenylalanine at codon 533 is replaced by valine, an amino acid with highly similar properties. This amino acid position is conserved. In addition, the in silico prediction for this alteration is inconclusive. Based on the available evidence, the clinical significance of this variant remains unclear.

NM_001048174.2(MUTYH):c.1513T>G (p.Phe505Val)

Gene: MUTYH (mutY DNA glycosylase; minus strand). Cytogenetic location: 1p34.1.
Variant type: single nucleotide variant.
Coding change: c.1513T>G on transcript NM_001048174.2 (MANE Select); coding-DNA position 1513, T replaced by G.
Protein change: p.Phe505Val; replaces phenylalanine 505 with valine.
Molecular consequence: missense variant. On other transcripts: non-coding transcript variant (7).
Genome position (GRCh38, 1-based): chr1:45,329,359, A>C on the plus strand (T>G on the coding strand, the complement: MUTYH is on the minus strand). VCF-style: chr1-45329359-A-C. GRCh37 (hg19) VCF-style: chr1-45795031-A-C.
Other names: c.1513T>G, p.Phe505Val (NM_001048171.2, NM_001048173.2, NM_001293195.2 and 6 more transcripts); c.1516T>G, p.Phe506Val (NM_001048172.2, NM_001407071.1, NM_001407086.1 and 1 more transcripts); c.1597T>G, p.Phe533Val (NM_001128425.2); c.1558T>G, p.Phe520Val (NM_001293190.2); c.1546T>G, p.Phe516Val (NM_001293191.2, NM_001407069.1, NM_001407077.1); c.1237T>G, p.Phe413Val (NM_001293192.2, NM_001293196.2, NM_001407091.1); c.1168T>G, p.Phe390Val (NM_001350650.2, NM_001350651.2, NM_001407082.1); c.1534T>G, p.Phe512Val (NM_001407087.1); and 5 more; short protein forms F477V, F530V, F390V, F413V, F505V, F519V, F520V, F506V.
Identifiers: ClinVar variation 4113420 (VCV004113420.1).
Genomic context (GRCh38, chr1:45,329,359, plus strand): 5'-AGAGGTGTCACTGGGCTGCACTGTTGAGGCTGTGTGCATCAGTGGAGATGTGAGACCGAA[A>C]GAAATTATCCAGGACTTGCTGGCCCATGCGGGGCTTTTTCCGACTGCACGGAGAGGACAC-3'
Protein context (NP_001041639.1, residues 495-515): RMGQQVLDNF[Phe505Val]RSHISTDAHS